The following is an entry in ClinVar:

ClinVar aggregate classification (germline): Uncertain significance (1 of 4 stars; one submission).

Conditions:
Joubert syndrome. Also called: CEREBELLOPARENCHYMAL DISORDER IV; JOUBERT-BOLTSHAUSER SYNDROME; Familial aplasia of the vermis. Identifiers: Orphanet 475, MedGen C5979921, MONDO:0018772.
Meckel-Gruber syndrome. Also called: DYSENCEPHALIA SPLANCHNOCYSTICA; GRUBER SYNDROME; Dysencephalia splachnocystica. Identifiers: Orphanet 564, MedGen C0265215, MONDO:0018921.

Submission:

Labcorp Genetics (formerly Invitae), Labcorp
Classification: Uncertain significance for Joubert syndrome; Meckel-Gruber syndrome. Last evaluated: 2022-07-14. Review status: criteria provided, single submitter. Criteria: Invitae Variant Classification Sherloc (09022015). Collection method: clinical testing. Allele origin: germline.
Comment: This sequence change replaces methionine, which is neutral and non-polar, with isoleucine, which is neutral and non-polar, at codon 539 of the MKS1 protein (p.Met539Ile). This variant is not present in population databases (gnomAD no frequency). This variant has not been reported in the literature in individuals affected with MKS1-related conditions. Algorithms developed to predict the effect of missense changes on protein structure and function are either unavailable or do not agree on the potential impact of this missense change (SIFT: "Tolerated"; PolyPhen-2: "Possibly Damaging"; Align-GVGD: "Class C0"). In summary, the available evidence is currently insufficient to determine the role of this variant in disease. Therefore, it has been classified as a Variant of Uncertain Significance.

NM_017777.4(MKS1):c.1617G>T (p.Met539Ile)

Gene: MKS1 (MKS transition zone complex subunit 1; minus strand). Cytogenetic location: 17q22.
Variant type: single nucleotide variant.
Coding change: c.1617G>T on transcript NM_017777.4 (MANE Select); coding-DNA position 1617, G replaced by T.
Protein change: p.Met539Ile; replaces methionine 539 with isoleucine.
Molecular consequence: missense variant. On other transcripts: 3 prime UTR variant (1).
Genome position (GRCh38, 1-based): chr17:58,206,142, C>A on the plus strand (G>T on the coding strand, the complement: MKS1 is on the minus strand). VCF-style: chr17-58206142-C-A. GRCh37 (hg19) VCF-style: chr17-56283503-C-A.
Other names: c.1008G>T, p.Met336Ile (NM_001321268.2); c.1534G>T, p.Ala512Ser (NM_001321269.2); c.*29G>T (NM_001330397.2); short protein forms A512S, M336I, M539I.
Identifiers: ClinVar variation 2016770 (VCV002016770.1), dbSNP rs1457241426, ClinGen allele CA400324282.